The following is an entry in ClinVar:

ClinVar aggregate classification (germline): Pathogenic (1 of 4 stars; one submission).

Conditions:
Familial adenomatous polyposis 1 (FAP1). Also called: FAMILIAL ADENOMATOUS POLYPOSIS 1, ATTENUATED; POLYPOSIS, ADENOMATOUS INTESTINAL. Identifiers: MedGen C2713442, MONDO:0021056, OMIM 175100. Disease mechanism: loss of function.

Submission:

Myriad Genetics, Inc.
Classification: Pathogenic for Familial adenomatous polyposis 1. Last evaluated: 2023-05-11. Review status: criteria provided, single submitter. Criteria: Myriad Autosomal Dominant, Autosomal Recessive and X-Linked Classification Criteria (2023). Collection method: clinical testing. Allele origin: unknown.
Comment: This variant is considered pathogenic. This variant creates a frameshift predicted to result in premature protein truncation.

NM_000038.6(APC):c.4734dup (p.Ile1579fs)

Gene: APC (APC regulator of Wnt signaling pathway; plus strand). Cytogenetic location: 5q22.2.
Variant type: Duplication.
Coding change: c.4734dup on transcript NM_000038.6 (MANE Select); coding-DNA position 4734, one base duplicated (T; older notation c.4734dupT).
Protein change: p.Ile1579fs; shifts the reading frame from isoleucine 1579.
Molecular consequence: frameshift variant. On other transcripts: non-coding transcript variant (2).
Genome position (GRCh38, 1-based): chr5:112,840,328, T duplicated. VCF-style (leftmost placement, unchanged base first): chr5-112840327-G-GT. GRCh37 (hg19) VCF-style: chr5-112176024-G-GT.
Other names: c.4788dup, p.Ile1597fs (NM_001354896.2, NM_001407447.1, NM_001407448.1 and 1 more transcripts); c.4764dup, p.Ile1589fs (NM_001354897.2); c.4650dup, p.Ile1551fs (NM_001354899.2); c.4611dup, p.Ile1538fs (NM_001354900.2); c.4557dup, p.Ile1520fs (NM_001354901.2, NM_001407453.1); c.4461dup, p.Ile1488fs (NM_001354902.2); c.4659dup, p.Ile1554fs (NM_001354898.2); c.4734dup, p.Ile1579fs (NM_001127510.3, NM_001354895.2, NM_001407450.1); and 11 more; short protein forms I1195fs, I1296fs, I1419fs, I1450fs, I1453fs, I1478fs, I1488fs, I1496fs.
Identifiers: ClinVar variation 2584045 (VCV002584045.1), dbSNP rs2533596221, ClinGen allele CA446206700.
Genomic context (GRCh38, chr5:112,840,327, plus strand): 5'-ATTCTGAAAAGGACCTATTAGATGATTCAGATGATGATGATATTGAAATACTAGAAGAAT[G>GT]TATTATTTCTGCCATGCCAACAAAGTCATCACGTAAAGCAAAAAAGCCAGCCCAGACTGC-3'